The following is an entry in ClinVar:

NM_021803.4(IL21):c.92G>A (p.Gly31Asp)

Genes: IL21-AS1 (IL21 antisense RNA 1; plus strand), IL21 (interleukin 21; minus strand), LOC126807147 (CDK7 strongly-dependent group 2 enhancer GRCh37_chr4:123541308-123542507; plus strand). Cytogenetic location: 4q27.
Variant type: single nucleotide variant.
Coding change: c.92G>A on transcript NM_021803.4 (MANE Select); coding-DNA position 92, G replaced by A.
Protein change: p.Gly31Asp; replaces glycine 31 with aspartic acid.
Molecular consequence: missense variant. On other transcripts: non-coding transcript variant (1).
Genome position (GRCh38, 1-based): chr4:122,620,920, C>T on the plus strand (G>A on the coding strand, the complement: IL21 is on the minus strand). VCF-style: chr4-122620920-C-T. GRCh37 (hg19) VCF-style: chr4-123542075-C-T.
Other names: c.92G>A, p.Gly31Asp (NM_001207006.3); short protein forms G31D.
Identifiers: ClinVar variation 1473555 (VCV001473555.8), dbSNP rs2150689902, ClinGen allele CA358221762.

ClinVar aggregate classification (germline): Uncertain significance (1 of 4 stars; one submission).

Submission:

Labcorp Genetics (formerly Invitae), Labcorp
Classification: Uncertain significance. Last evaluated: 2022-02-10. Review status: criteria provided, single submitter. Criteria: Invitae Variant Classification Sherloc (09022015). Collection method: clinical testing. Allele origin: germline.
Comment: This variant is not present in population databases (gnomAD no frequency). In summary, the available evidence is currently insufficient to determine the role of this variant in disease. Therefore, it has been classified as a Variant of Uncertain Significance. Algorithms developed to predict the effect of missense changes on protein structure and function (SIFT, PolyPhen-2, Align-GVGD) all suggest that this variant is likely to be tolerated. This variant has not been reported in the literature in individuals affected with IL21-related conditions. This sequence change replaces glycine, which is neutral and non-polar, with aspartic acid, which is acidic and polar, at codon 31 of the IL21 protein (p.Gly31Asp).